The following is an entry in ClinVar:

NM_005045.4(RELN):c.3041G>A (p.Ser1014Asn)

Gene: RELN (reelin; minus strand). Cytogenetic location: 7q22.1.
Variant type: single nucleotide variant.
Coding change: c.3041G>A on transcript NM_005045.4 (MANE Select); coding-DNA position 3041, G replaced by A.
Protein change: p.Ser1014Asn; replaces serine 1014 with asparagine.
Molecular consequence: missense variant.
Genome position (GRCh38, 1-based): chr7:103,604,451, C>T on the plus strand (G>A on the coding strand, the complement: RELN is on the minus strand). VCF-style: chr7-103604451-C-T. GRCh37 (hg19) VCF-style: chr7-103244898-C-T.
Other names: c.3041G>A, p.Ser1014Asn (NM_173054.3); short protein forms S1014N.
Identifiers: ClinVar variation 2951513 (VCV002951513.3), dbSNP rs772053450, ClinGen allele CA4421862.

ClinVar aggregate classification (germline): Uncertain significance (1 of 4 stars; one submission).

Conditions:
Norman-Roberts syndrome (LIS2). Also called: Lissencephaly 2 (Norman-Roberts type). Identifiers: Orphanet 89844, MedGen C0796089, MONDO:0009760, OMIM 257320.
Familial temporal lobe epilepsy 7. Identifiers: Orphanet 101046, MedGen C4225327, MONDO:0014639, OMIM 616436.

Allele frequency attached by ClinVar (database versions not stated): gnomAD exomes below 0.00001; ExAC 0.00001; gnomAD 0.00001; TOPMed 0.00003.
gnomAD v4.1: 3 of 1,613,842 alleles (0.00019%); highest among the groups gnomAD compares: African/African-American, 0.0013%; no homozygotes.

Submission:

Labcorp Genetics (formerly Invitae), Labcorp
Classification: Uncertain significance for Familial temporal lobe epilepsy 7; Norman-Roberts syndrome. Last evaluated: 2023-12-20. Review status: criteria provided, single submitter. Criteria: Invitae Variant Classification Sherloc (09022015). Collection method: clinical testing. Allele origin: germline.
Comment: This sequence change replaces serine, which is neutral and polar, with asparagine, which is neutral and polar, at codon 1014 of the RELN protein (p.Ser1014Asn). This variant is present in population databases (rs772053450, gnomAD 0.0009%). This variant has not been reported in the literature in individuals affected with RELN-related conditions. Advanced modeling of protein sequence and biophysical properties (such as structural, functional, and spatial information, amino acid conservation, physicochemical variation, residue mobility, and thermodynamic stability) performed at Invitae indicates that this missense variant is not expected to disrupt RELN protein function with a negative predictive value of 80%. In summary, the available evidence is currently insufficient to determine the role of this variant in disease. Therefore, it has been classified as a Variant of Uncertain Significance.